The following is an entry in ClinVar:

NM_001414.4(EIF2B1):c.39G>C (p.Gln13His)

Gene: EIF2B1 (eukaryotic translation initiation factor 2B subunit alpha; minus strand). Cytogenetic location: 12q24.31.
Variant type: single nucleotide variant.
Coding change: c.39G>C on transcript NM_001414.4 (MANE Select); coding-DNA position 39, G replaced by C.
Protein change: p.Gln13His; replaces glutamine 13 with histidine.
Molecular consequence: missense variant.
Genome position (GRCh38, 1-based): chr12:123,632,421, C>G on the plus strand (G>C on the coding strand, the complement: EIF2B1 is on the minus strand). VCF-style: chr12-123632421-C-G. GRCh37 (hg19) VCF-style: chr12-124116968-C-G.
Other names: c.39G>C (NM_001414.3); short protein forms Q13H.
Identifiers: ClinVar variation 2185148 (VCV002185148.3), dbSNP rs369922737, ClinGen allele CA6860245.

ClinVar aggregate classification (germline): Uncertain significance. Review status: criteria provided, multiple submitters, no conflicts (2 of 4 stars). 2 submissions from 2 submitters: Uncertain significance (2). Last evaluated 2024-11-25.

Conditions:
Inborn genetic diseases. Identifiers: MedGen C0950123, MeSH D030342.

Allele frequency attached by ClinVar (database versions not stated): TOPMed 0.00006; ExAC 0.00008; gnomAD 0.00008; ESP Exome Variant Server 0.00015.
gnomAD v4.1: 108 of 1,613,450 alleles (0.0067%); highest among the groups gnomAD compares: Non-Finnish European, 0.0086%; no homozygotes.

Submissions (2):

Ambry Genetics
Classification: Uncertain significance for Inborn genetic diseases. Last evaluated: 2024-11-25. Review status: criteria provided, single submitter. Criteria: Ambry Variant Classification Scheme 2023. Collection method: clinical testing. Allele origin: germline.

Labcorp Genetics (formerly Invitae), Labcorp
Classification: Uncertain significance. Last evaluated: 2022-08-20. Review status: criteria provided, single submitter. Criteria: Invitae Variant Classification Sherloc (09022015). Collection method: clinical testing. Allele origin: germline.
Comment: This sequence change replaces glutamine, which is neutral and polar, with histidine, which is basic and polar, at codon 13 of the EIF2B1 protein (p.Gln13His). This variant is present in population databases (rs369922737, gnomAD 0.01%). This variant has not been reported in the literature in individuals affected with EIF2B1-related conditions. Algorithms developed to predict the effect of missense changes on protein structure and function are either unavailable or do not agree on the potential impact of this missense change (SIFT: "Tolerated"; PolyPhen-2: "Possibly Damaging"; Align-GVGD: "Class C0"). In summary, the available evidence is currently insufficient to determine the role of this variant in disease. Therefore, it has been classified as a Variant of Uncertain Significance.